The following is an entry in ClinVar:

ClinVar aggregate classification (germline): Uncertain significance (1 of 4 stars; one submission).

gnomAD v4.1: 4 of 786,382 alleles (0.00051%); highest among the groups gnomAD compares: Admixed American, 0.096%; no homozygotes.

Submission:

Ambry Genetics
Classification: Uncertain significance. Last evaluated: 2025-01-19. Review status: criteria provided, single submitter. Criteria: Ambry Variant Classification Scheme 2023. Collection method: clinical testing. Allele origin: germline.
Comment: The c.46C>T (p.P16S) alteration is located in exon (coding exon ) of the MMP24 gene. This alteration results from a C to T substitution at nucleotide position 46, causing the proline (P) at amino acid position 16 to be replaced by a serine (S). Based on insufficient or conflicting evidence, the clinical significance of this alteration remains unclear.

NM_006690.4(MMP24):c.46C>T (p.Pro16Ser)

Genes: MMP24 (matrix metallopeptidase 24; plus strand), MMP24-AS1-EDEM2 (MMP24-AS1-EDEM2 readthrough; minus strand). Cytogenetic location: 20q11.22.
Variant type: single nucleotide variant.
Coding change: c.46C>T on transcript NM_006690.4 (MANE Select); coding-DNA position 46, C replaced by T.
Protein change: p.Pro16Ser; replaces proline 16 with serine.
Molecular consequence: missense variant. On other transcripts: intron variant (1).
Genome position (GRCh38, 1-based): chr20:35,226,784, C>T. VCF-style: chr20-35226784-C-T. GRCh37 (hg19) VCF-style: chr20-33814587-C-T.
Other names: c.-351-8723G>A (NM_001355008.2); short protein forms P16S.
Identifiers: ClinVar variation 3873768 (VCV003873768.1).